The following is an entry in ClinVar:

NM_025137.4(SPG11):c.1589T>C (p.Ile530Thr)

Gene: SPG11 (SPG11 vesicle trafficking associated, spatacsin; minus strand). Cytogenetic location: 15q21.1.
Variant type: single nucleotide variant.
Coding change: c.1589T>C on transcript NM_025137.4 (MANE Select); coding-DNA position 1589, T replaced by C.
Protein change: p.Ile530Thr; replaces isoleucine 530 with threonine.
Molecular consequence: missense variant.
Genome position (GRCh38, 1-based): chr15:44,648,879, A>G on the plus strand (T>C on the coding strand, the complement: SPG11 is on the minus strand). VCF-style: chr15-44648879-A-G. GRCh37 (hg19) VCF-style: chr15-44941077-A-G.
Other names: c.1589T>C (NM_025137.3); c.1589T>C, p.Ile530Thr (NM_001160227.2); short protein forms I530T.
Identifiers: ClinVar variation 1509145 (VCV001509145.6), dbSNP rs779031089, ClinGen allele CA7535518.

ClinVar aggregate classification (germline): Uncertain significance. Review status: criteria provided, multiple submitters, no conflicts (2 of 4 stars). 2 submissions from 2 submitters: Uncertain significance (2). Last evaluated 2025-04-02.

Conditions:
Hereditary spastic paraplegia 11. Also called: Spastic paraplegia, mental retardation and thin corpus callosum; SPASTIC PARAPLEGIA, AUTOSOMAL RECESSIVE, COMPLICATED, WITH THIN CORPUS CALLOSUM; SPASTIC PARAPLEGIA, AUTOSOMAL RECESSIVE, WITH MENTAL IMPAIRMENT AND THIN CORPUS CALLOSUM; Spastic Paraplegia 11; Nakamura Osame syndrome; Autosomal recessive hereditary spastic paraplegia, mental impairment, and thin corpus callosum. Identifiers: Orphanet 2822, MedGen C1858479, MONDO:0011445, OMIM 604360.

Allele frequency attached by ClinVar (database versions not stated): TOPMed below 0.00001; ExAC 0.00001; gnomAD 0.00001; gnomAD exomes 0.00001.
gnomAD v4.1: 5 of 1,613,992 alleles (0.00031%); highest among the groups gnomAD compares: East Asian, 0.0067%; no homozygotes.

Submissions (2):

GeneDx
Classification: Uncertain significance. Last evaluated: 2025-04-02. Review status: criteria provided, single submitter. Criteria: GeneDx Variant Classification Process June 2021. Collection method: clinical testing. Allele origin: germline. Affected: yes.
Comment: Not observed at significant frequency in large population cohorts (gnomAD); In silico analysis supports that this missense variant has a deleterious effect on protein structure/function; Has not been previously published as pathogenic or benign to our knowledge

Labcorp Genetics (formerly Invitae), Labcorp
Classification: Uncertain significance for Hereditary spastic paraplegia 11. Last evaluated: 2021-12-02. Review status: criteria provided, single submitter. Criteria: Invitae Variant Classification Sherloc (09022015). Collection method: clinical testing. Allele origin: germline.
Comment: This sequence change replaces isoleucine, which is neutral and non-polar, with threonine, which is neutral and polar, at codon 530 of the SPG11 protein (p.Ile530Thr). This variant is present in population databases (rs779031089, gnomAD 0.0009%). This variant has not been reported in the literature in individuals affected with SPG11-related conditions. Algorithms developed to predict the effect of missense changes on protein structure and function are either unavailable or do not agree on the potential impact of this missense change (SIFT: "Deleterious"; PolyPhen-2: "Probably Damaging"; Align-GVGD: "Class C0"). In summary, the available evidence is currently insufficient to determine the role of this variant in disease. Therefore, it has been classified as a Variant of Uncertain Significance.